The following is an entry in ClinVar:

ClinVar aggregate classification (germline): Uncertain significance (1 of 4 stars; one submission).

Conditions:
Neurodevelopmental disorder. Identifiers: MedGen C1535926, MeSH D065886, MONDO:0700092.

Submission:

Victorian Clinical Genetics Services, Murdoch Childrens Research Institute
Classification: Uncertain significance for Neurodevelopmental disorder. Last evaluated: 2026-01-15. Review status: criteria provided, single submitter. Criteria: ACMG Guidelines, 2015. Collection method: clinical testing. Allele origin: germline. Affected: yes.
Comment: This variant is classified as VUS-3A. Evidence in support of pathogenic classification: Variant is absent from gnomAD (v2, v3 and v4); Missense variant predicted to be damaging by in silico tool(s) or highly conserved with a major amino acid change. Additional information: Variant is predicted to result in a missense amino acid change from Tyr to Phe; This variant is heterozygous; This gene is associated with autosomal dominant disease; This variant has no previous evidence of pathogenicity; No published evidence of segregation with disease has been identified for this variant; No published functional evidence has been identified for this variant; No comparable missense variants have previous evidence for pathogenicity; Variant is located in the annotated FERM C-terminal PH-like domain (DECIPHER). - Loss of function is a known mechanism of disease in this gene and is associated with neurodevelopmental disorder (MONDO:0700092), PTPN4-related; Inheritance information for this variant is not currently available in this individual.

NM_002830.4(PTPN4):c.872A>T (p.Tyr291Phe)

Gene: PTPN4 (protein tyrosine phosphatase non-receptor type 4; plus strand). Cytogenetic location: 2q14.2.
Variant type: single nucleotide variant.
Coding change: c.872A>T on transcript NM_002830.4 (MANE Select); coding-DNA position 872, A replaced by T.
Protein change: p.Tyr291Phe; replaces tyrosine 291 with phenylalanine.
Molecular consequence: missense variant.
Genome position (GRCh38, 1-based): chr2:119,920,112, A>T. VCF-style: chr2-119920112-A-T. GRCh37 (hg19) VCF-style: chr2-120677688-A-T.
Other names: short protein forms Y291F.
Identifiers: ClinVar variation 4818970 (VCV004818970.1).
Genomic context (GRCh38, chr2:119,920,112, plus strand): 5'-TTTGTCATTTATTACAGCATGAATCTAGAGAAACATTATTGGGATTTAATATGGTGAATT[A>T]CAGAGCATGTAAAAATTTGTGGAAAGCATGTGTAGAACATCACACATTCTTCCGTTTGGA-3'
Protein context (NP_002821.1, residues 281-301): ETLLGFNMVN[Tyr291Phe]RACKNLWKAC